The following is an entry in ClinVar:

NM_012431.3(SEMA3E):c.809_813+16del

Gene: SEMA3E (semaphorin 3E; minus strand). Cytogenetic location: 7q21.11.
Variant type: Deletion.
Coding change: c.809_813+16del on transcript NM_012431.3 (MANE Select); coding-DNA position 809 through 16 bases into the intron after coding-DNA position 813, 21 bases deleted (GTGTGGTGAGGCTTTCTCTCT).
Molecular consequence: splice donor variant.
Genome position (GRCh38, 1-based): chr7:83,407,081-83,407,101, AGAGAGAAAGCCTCACCACAC deleted on the plus strand (GTGTGGTGAGGCTTTCTCTCT on the coding strand, the reverse complement: SEMA3E is on the minus strand); deleting any 21 consecutive bases within chr7:83,407,081-83,407,105 gives the same sequence; the c. name uses the placement nearest the transcript's 3' end. VCF-style (leftmost placement, unchanged base first): chr7-83407080-GAGAGAGAAAGCCTCACCACAC-G. GRCh37 (hg19) VCF-style: chr7-83036396-GAGAGAGAAAGCCTCACCACAC-G.
Other names: c.629_633+16del (NM_001178129.2).
Identifiers: ClinVar variation 3640742 (VCV003640742.2).

ClinVar aggregate classification (germline): Uncertain significance (1 of 4 stars; one submission).

Conditions:
CHARGE syndrome (CHARGE). Also called: Hittner Hirsch Kreh syndrome; CHARGE ASSOCIATION--COLOBOMA, HEART ANOMALY, CHOANAL ATRESIA, RETARDATION, GENITAL AND EAR ANOMALIES; Coloboma, heart anomaly, choanal atresia, retardation, genital and ear anomalies; CHARGE association; Hall-Hittner syndrome. Identifiers: Orphanet 138, MedGen C0265354, MONDO:0008965.

Submission:

Labcorp Genetics (formerly Invitae), Labcorp
Classification: Uncertain significance for CHARGE syndrome. Last evaluated: 2024-03-13. Review status: criteria provided, single submitter. Criteria: Invitae Variant Classification Sherloc (09022015). Collection method: clinical testing. Allele origin: germline.
Comment: This variant results in the deletion of part of exon 7 (c.809_813+16del) of the SEMA3E gene. It is expected to disrupt RNA splicing. Variants that disrupt the donor or acceptor splice site typically lead to a loss of protein function (PMID: 16199547), however the current clinical and genetic evidence is not sufficient to establish whether loss-of-function variants in SEMA3E cause disease. This variant is not present in population databases (gnomAD no frequency). This variant has not been reported in the literature in individuals affected with SEMA3E-related conditions. In summary, the available evidence is currently insufficient to determine the role of this variant in disease. Therefore, it has been classified as a Variant of Uncertain Significance.

Literature cited by the submitters: PubMed 16199547.